The following is an entry in ClinVar:

NM_006031.6(PCNT):c.7421C>T (p.Pro2474Leu)

Gene: PCNT (pericentrin; plus strand). Cytogenetic location: 21q22.3.
Variant type: single nucleotide variant.
Coding change: c.7421C>T on transcript NM_006031.6 (MANE Select); coding-DNA position 7421, C replaced by T.
Protein change: p.Pro2474Leu; replaces proline 2474 with leucine.
Molecular consequence: missense variant.
Genome position (GRCh38, 1-based): chr21:46,427,722, C>T. VCF-style: chr21-46427722-C-T. GRCh37 (hg19) VCF-style: chr21-47847636-C-T.
Other names: c.7421C>T (NM_006031.5); c.7067C>T, p.Pro2356Leu (NM_001315529.2); short protein forms P2474L, P2356L.
Identifiers: ClinVar variation 4693195 (VCV004693195.2).

ClinVar aggregate classification (germline): Uncertain significance. Review status: criteria provided, multiple submitters, no conflicts (2 of 4 stars). 2 submissions from 2 submitters: Uncertain significance (2). Last evaluated 2026-03-04.

Conditions:
PCNT-related disorder. Also called: PCNT-related condition.

gnomAD v4.1: 9 of 1,613,656 alleles (0.00056%); highest among the groups gnomAD compares: Admixed American, 0.013%; no homozygotes.

Submissions (2):

PreventionGenetics, part of Exact Sciences
Classification: Uncertain significance for PCNT-related condition. Last evaluated: 2026-03-04. Review status: criteria provided, single submitter. Criteria: ACMG Guidelines, 2015. Collection method: clinical testing. Allele origin: germline.
Comment: The PCNT c.7421C>T variant is predicted to result in the amino acid substitution p.Pro2474Leu. To our knowledge, this variant has not been reported in the literature. This variant is reported in 0.014% of alleles in individuals of Latino descent in gnomAD. At this time, the clinical significance of this variant is uncertain due to the absence of conclusive functional and genetic evidence.

Labcorp Genetics (formerly Invitae), Labcorp
Classification: Uncertain significance. Last evaluated: 2025-08-21. Review status: criteria provided, single submitter. Criteria: Invitae Variant Classification Sherloc (09022015). Collection method: clinical testing. Allele origin: germline.
Comment: This sequence change replaces proline, which is neutral and non-polar, with leucine, which is neutral and non-polar, at codon 2474 of the PCNT protein (p.Pro2474Leu). This variant is present in population databases (rs767169326, gnomAD 0.01%). This variant has not been reported in the literature in individuals affected with PCNT-related conditions. An algorithm developed to predict the effect of missense changes on protein structure and function (PolyPhen-2) suggests that this variant is likely to be disruptive. In summary, the available evidence is currently insufficient to determine the role of this variant in disease. Therefore, it has been classified as a Variant of Uncertain Significance.